The following is an entry in ClinVar:

NM_000494.4(COL17A1):c.4081G>A (p.Gly1361Arg)

Gene: COL17A1 (collagen type XVII alpha 1 chain; minus strand). Cytogenetic location: 10q25.1.
Variant type: single nucleotide variant.
Coding change: c.4081G>A on transcript NM_000494.4 (MANE Select); coding-DNA position 4081, G replaced by A.
Protein change: p.Gly1361Arg; replaces glycine 1361 with arginine.
Molecular consequence: missense variant.
Genome position (GRCh38, 1-based): chr10:104,034,020, C>T on the plus strand (G>A on the coding strand, the complement: COL17A1 is on the minus strand). VCF-style: chr10-104034020-C-T. GRCh37 (hg19) VCF-style: chr10-105793778-C-T.
Other names: c.4081G>A, p.Gly1361Arg (LRG_1249t1); short protein forms G1361R.
Identifiers: ClinVar variation 298688 (VCV000298688.8), dbSNP rs143021968, ClinGen allele CA5677721.

ClinVar aggregate classification (germline): Uncertain significance. Review status: criteria provided, multiple submitters, no conflicts (2 of 4 stars). 4 submissions from 4 submitters: Uncertain significance (4). Last evaluated 2022-09-19.

Conditions:
Inborn genetic diseases. Identifiers: MedGen C0950123, MeSH D030342.
Epithelial recurrent erosion dystrophy (ERED). Also called: CORNEAL EROSIONS, RECURRING HEREDITARY. Identifiers: Orphanet 293381, MedGen C1852551, MONDO:0007381, OMIM 122400.
Epidermolysis bullosa, junctional 4, intermediate. Also called: Epidermolysis bullosa, junctional, localisata variant; EPIDERMOLYSIS BULLOSA, JUNCTIONAL 4, NON-HERLITZ TYPE; EPIDERMOLYSIS BULLOSA, GENERALIZED ATROPHIC BENIGN. Identifiers: MedGen C2608084, MONDO:0030750, OMIM 619787.
Junctional epidermolysis bullosa, non-Herlitz type. Also called: EPIDERMOLYSIS BULLOSA JUNCTIONALIS, DISENTIS TYPE; EPIDERMOLYSIS BULLOSA JUNCTIONALIS, NON-HERLITZ TYPE; EPIDERMOLYSIS BULLOSA JUNCTIONALIS, PROGRESSIVE; EPIDERMOLYSIS BULLOSA JUNCTIONALIS, SEVERE NONLETHAL; Adult junctional epidermolysis bullosa; Epidermolysis bullosa, junctional, non-herlitz type, somatic mosaic revertant. Identifiers: Orphanet 251393, Orphanet 79402, Orphanet 79405, Orphanet 89840, MedGen C0268374, MONDO:0009180, OMIM 226650.

Allele frequency attached by ClinVar (database versions not stated): gnomAD exomes 0.00011 and 0.00023; 1000 Genomes Project 30x 0.00016; 1000 Genomes Project 0.00020; ExAC 0.00022; gnomAD 0.00023; TOPMed 0.00032; ESP Exome Variant Server 0.00046.
gnomAD v4.1: 201 of 1,614,182 alleles (0.012%); highest among the groups gnomAD compares: African/African-American, 0.055%; no homozygotes.

Submissions (4):

Labcorp Genetics (formerly Invitae), Labcorp
Classification: Uncertain significance. Last evaluated: 2022-09-19. Review status: criteria provided, single submitter. Criteria: Invitae Variant Classification Sherloc (09022015). Collection method: clinical testing. Allele origin: germline.
Comment: This sequence change replaces glycine, which is neutral and non-polar, with arginine, which is basic and polar, at codon 1361 of the COL17A1 protein (p.Gly1361Arg). This variant is present in population databases (rs143021968, gnomAD 0.2%). This variant has not been reported in the literature in individuals affected with COL17A1-related conditions. ClinVar contains an entry for this variant (Variation ID: 298688). Algorithms developed to predict the effect of missense changes on protein structure and function output the following: SIFT: "Deleterious"; PolyPhen-2: "Not Available"; Align-GVGD: "Class C0". The arginine amino acid residue is found in multiple mammalian species, which suggests that this missense change does not adversely affect protein function. Algorithms developed to predict the effect of sequence changes on RNA splicing suggest that this variant may create or strengthen a splice site. In summary, the available evidence is currently insufficient to determine the role of this variant in disease. Therefore, it has been classified as a Variant of Uncertain Significance.

Fulgent Genetics
Classification: Uncertain significance for Epithelial recurrent erosion dystrophy; Epidermolysis bullosa, junctional 4, intermediate. Last evaluated: 2022-03-23. Review status: criteria provided, single submitter. Criteria: ACMG Guidelines, 2015. Collection method: clinical testing. Allele origin: unknown.

Ambry Genetics
Classification: Uncertain significance for Inborn genetic diseases. Last evaluated: 2021-09-16. Review status: criteria provided, single submitter. Criteria: Ambry Variant Classification Scheme 2023. Collection method: clinical testing. Allele origin: germline.

Illumina Laboratory Services, Illumina
Classification: Uncertain significance for Junctional epidermolysis bullosa, non-Herlitz type. Last evaluated: 2018-01-12. Review status: criteria provided, single submitter. Criteria: ICSL Variant Classification Criteria 13 December 2019. Collection method: clinical testing. Allele origin: germline.